The following is an entry in ClinVar:

ClinVar aggregate classification (germline): Pathogenic. Review status: criteria provided, single submitter (1 of 4 stars). 2 submissions from 2 submitters: Pathogenic (1). 1 of the submissions does not count toward it. Last evaluated 2015-04-20.

Conditions:
Autoimmune interstitial lung disease-arthritis syndrome. Also called: Autoinflammation and autoimmunity, systemic, with immune dysregulation. Identifiers: Orphanet 444092, MedGen C5975714, MONDO:0014629.

Submissions (2):

Lupski Lab, Baylor-Hopkins CMG, Baylor College of Medicine
Classification: Pathogenic for Autoinflammation and autoimmunity with immune dysregulation 1. Last evaluated: 2015-04-20. Review status: criteria provided, single submitter. Criteria: Watkin et al. (Nat Genet 2015). Collection method: research. Allele origin: inherited. Inheritance: Autosomal dominant inheritance. Affected: yes and no. Observed: 6 variant alleles, 6 heterozygotes.
Comment: Segregates with the phenotype in an affected family, in vitro functional studies

OMIM
Classification: Pathogenic for AUTOINFLAMMATION AND AUTOIMMUNITY, SYSTEMIC, WITH IMMUNE DYSREGULATION 1. Last evaluated: 2015-06-01. Review status: no assertion criteria provided. Collection method: literature only. Allele origin: germline. Not counted in ClinVar's aggregate classification.

Literature cited by the submitters: PubMed 25894502 (cited by OMIM).

NM_004371.4(COPA):c.690G>T (p.Lys230Asn)

Gene: COPA (coat protein complex I subunit alpha; minus strand). Cytogenetic location: 1q23.2.
Variant type: single nucleotide variant.
Coding change: c.690G>T on transcript NM_004371.4 (MANE Select); coding-DNA position 690, G replaced by T.
Protein change: p.Lys230Asn; replaces lysine 230 with asparagine.
Molecular consequence: missense variant.
Genome position (GRCh38, 1-based): chr1:160,323,447, C>A on the plus strand (G>T on the coding strand, the complement: COPA is on the minus strand). VCF-style: chr1-160323447-C-A. GRCh37 (hg19) VCF-style: chr1-160293237-C-A.
Other names: c.690G>T, p.Lys230Asn (LRG_1336t1, NM_001098398.2); short protein forms K230N.
Identifiers: ClinVar variation 218941 (VCV000218941.3), dbSNP rs864309710, ClinGen allele CA339664.
Genomic context (GRCh38, chr1:160,323,447, plus strand): 5'-TGGCAGTTTCTTAGATATGGCGATAATGTAACCGGTTCACTCACCATTCATGCGCCAGAT[C>A]TTCACTTGACGATCATCTGCCCCAGATACAATAAGGGGCATAGTGGGGTGGAAGGCAGCC-3'
Protein context (NP_004362.2, residues 220-240): IVSGADDRQV[Lys230Asn]IWRMNESKAW